The following is an entry in ClinVar:

ClinVar aggregate classification (germline): Uncertain significance. Review status: criteria provided, multiple submitters, no conflicts (2 of 4 stars). 2 submissions from 2 submitters: Uncertain significance (2). Last evaluated 2026-02-02.

Allele frequency attached by ClinVar (database versions not stated): 1000 Genomes Project 0.00020; ExAC 0.00020; gnomAD 0.00029; 1000 Genomes Project 30x 0.00031; TOPMed 0.00032; ESP Exome Variant Server 0.00038; gnomAD exomes 0.00069.
gnomAD v4.1: 1,030 of 1,613,980 alleles (0.064%); highest among the groups gnomAD compares: Non-Finnish European, 0.085%; 1 homozygote.

Submissions (2):

Labcorp Genetics (formerly Invitae), Labcorp
Classification: Uncertain significance. Last evaluated: 2026-02-02. Review status: criteria provided, single submitter. Criteria: Invitae Variant Classification Sherloc (09022015). Collection method: clinical testing. Allele origin: germline.
Comment: This sequence change replaces valine, which is neutral and non-polar, with isoleucine, which is neutral and non-polar, at codon 273 of the POLD2 protein (p.Val273Ile). This variant is present in population databases (rs149552381, gnomAD 0.04%). This variant has not been reported in the literature in individuals affected with POLD2-related conditions. ClinVar contains an entry for this variant (Variation ID: 2169995). An algorithm developed to predict the effect of missense changes on protein structure and function outputs the following: PolyPhen-2: "Not Available". The isoleucine amino acid residue is found in multiple mammalian species, which suggests that this missense change does not adversely affect protein function. In summary, the available evidence is currently insufficient to determine the role of this variant in disease. Therefore, it has been classified as a Variant of Uncertain Significance.

Ambry Genetics
Classification: Uncertain significance. Last evaluated: 2024-06-05. Review status: criteria provided, single submitter. Criteria: Ambry Variant Classification Scheme 2023. Collection method: clinical testing. Allele origin: germline.

NM_006230.4(POLD2):c.712G>A (p.Val238Ile)

Gene: POLD2 (DNA polymerase delta 2, accessory subunit; minus strand). Cytogenetic location: 7p13.
Variant type: single nucleotide variant.
Coding change: c.712G>A on transcript NM_006230.4 (MANE Select); coding-DNA position 712, G replaced by A.
Protein change: p.Val238Ile; replaces valine 238 with isoleucine.
Molecular consequence: missense variant.
Genome position (GRCh38, 1-based): chr7:44,116,885, C>T on the plus strand (G>A on the coding strand, the complement: POLD2 is on the minus strand). VCF-style: chr7-44116885-C-T. GRCh37 (hg19) VCF-style: chr7-44156484-C-T.
Other names: c.712G>A, p.Val238Ile (NM_001127218.3, NM_001256879.2); c.712G>A (NM_001127218.1); short protein forms V238I.
Identifiers: ClinVar variation 2169995 (VCV002169995.6), dbSNP rs149552381, ClinGen allele CA4238756.
Genomic context (GRCh38, chr7:44,116,885, plus strand): 5'-TAGAATCCCTGCTCTGGGTGCTGTGGCTGAGGAGGTTGCCAGCGAGGATAACCCGGGAGA[C>T]GTGGGCGGCGCTGCACTGCTCCCCTTCGTCCCCAAGCTGCCCCGTCACCACATCCACCAG-3'
Protein context (NP_006221.3, residues 228-248): DEGEQCSAAH[Val238Ile]SRVILAGNLL